The following is an entry in ClinVar:

ClinVar aggregate classification (germline): Likely benign. Review status: criteria provided, multiple submitters, no conflicts (2 of 4 stars). 2 submissions from 2 submitters: Likely benign (2). Last evaluated 2026-06-01.

Conditions:
MYH9-related disorder. Identifiers: MedGen C1854520.

gnomAD v4.1: 34 of 1,611,744 alleles (0.0021%); highest among the groups gnomAD compares: African/African-American, 0.0053%; no homozygotes.

Submissions (2):

PreventionGenetics, part of Exact Sciences
Classification: Likely benign for MYH9-related condition. Last evaluated: 2026-06-01. Review status: criteria provided, single submitter. Criteria: ACMG Guidelines, 2015. Collection method: clinical testing. Allele origin: germline.
Comment: This variant is classified as likely benign based on ACMG/AMP sequence variant interpretation guidelines (Richards et al. 2015 PMID: 25741868, with internal and published modifications).

Blueprint Genetics
Classification: Likely benign. Last evaluated: 2022-01-10. Review status: criteria provided, single submitter. Criteria: ACMG Guidelines, 2015. Collection method: clinical testing. Allele origin: germline.

NM_002473.6(MYH9):c.4974C>T (p.Arg1658=)

Gene: MYH9 (myosin heavy chain 9; minus strand). Cytogenetic location: 22q12.3.
Variant type: single nucleotide variant.
Coding change: c.4974C>T on transcript NM_002473.6 (MANE Select); coding-DNA position 4974, C replaced by T.
Protein change: p.Arg1658=; no amino-acid change (arginine 1658 retained).
Molecular consequence: synonymous variant.
Genome position (GRCh38, 1-based): chr22:36,286,805, G>A on the plus strand (C>T on the coding strand, the complement: MYH9 is on the minus strand). VCF-style: chr22-36286805-G-A. GRCh37 (hg19) VCF-style: chr22-36682851-G-A.
Identifiers: ClinVar variation 4947614 (VCV004947614.2).